The following is an entry in ClinVar:

NM_002528.7(NTHL1):c.478G>A (p.Asp160Asn)

Gene: NTHL1 (nth like DNA glycosylase 1; minus strand). Cytogenetic location: 16p13.3.
Variant type: single nucleotide variant.
Coding change: c.478G>A on transcript NM_002528.7 (MANE Select); coding-DNA position 478, G replaced by A.
Protein change: p.Asp160Asn; replaces aspartic acid 160 with asparagine.
Molecular consequence: missense variant. On other transcripts: intron variant (1).
Genome position (GRCh38, 1-based): chr16:2,044,677, C>T on the plus strand (G>A on the coding strand, the complement: NTHL1 is on the minus strand). VCF-style: chr16-2044677-C-T. GRCh37 (hg19) VCF-style: chr16-2094678-C-T.
Other names: c.148G>A, p.Asp50Asn (NM_001318194.2); c.355-951G>A (NM_001318193.2); short protein forms D50N, D160N.
Identifiers: ClinVar variation 858512 (VCV000858512.8), dbSNP rs1377761428, ClinGen allele CA394294195.

ClinVar aggregate classification (germline): Uncertain significance (1 of 4 stars; one submission).

Allele frequency attached by ClinVar (database versions not stated): gnomAD exomes below 0.00001.
gnomAD v4.1: 4 of 1,611,454 alleles (0.00025%); highest among the groups gnomAD compares: Non-Finnish European, 0.00034%; no homozygotes.

Submission:

Labcorp Genetics (formerly Invitae), Labcorp
Classification: Uncertain significance. Last evaluated: 2019-12-27. Review status: criteria provided, single submitter. Criteria: Invitae Variant Classification Sherloc (09022015). Collection method: clinical testing. Allele origin: germline.
Comment: In summary, the available evidence is currently insufficient to determine the role of this variant in disease. Therefore, it has been classified as a Variant of Uncertain Significance. Algorithms developed to predict the effect of missense changes on protein structure and function are either unavailable or do not agree on the potential impact of this missense change (SIFT: "Tolerated"; PolyPhen-2: "Benign"; Align-GVGD: "Class C0"). This variant has not been reported in the literature in individuals with NTHL1-related conditions. This variant is not present in population databases (ExAC no frequency). This sequence change replaces aspartic acid with asparragine at codon 168 of the NTHL1 protein (p.Asp168Asn). The aspartic acid residue is moderately conserved and there is a small physicochemical difference between aspartic acid and asparragine.